The following is an entry in ClinVar:

NM_198578.4(LRRK2):c.66G>C (p.Arg22Ser)

Gene: LRRK2 (leucine rich repeat kinase 2; plus strand). Cytogenetic location: 12q12.
Variant type: single nucleotide variant.
Coding change: c.66G>C on transcript NM_198578.4 (MANE Select); coding-DNA position 66, G replaced by C.
Protein change: p.Arg22Ser; replaces arginine 22 with serine.
Molecular consequence: missense variant.
Genome position (GRCh38, 1-based): chr12:40,225,197, G>C. VCF-style: chr12-40225197-G-C. GRCh37 (hg19) VCF-style: chr12-40618999-G-C.
Other names: short protein forms R22S.
Identifiers: ClinVar variation 1754989 (VCV001754989.2), dbSNP rs151283507, ClinGen allele CA384398433.

ClinVar aggregate classification (germline): Uncertain significance (1 of 4 stars; one submission).

Conditions:
Inborn genetic diseases. Identifiers: MedGen C0950123, MeSH D030342.

Submission:

Ambry Genetics
Classification: Uncertain significance for Inborn genetic diseases. Last evaluated: 2022-08-12. Review status: criteria provided, single submitter. Criteria: Ambry Variant Classification Scheme 2023. Collection method: clinical testing. Allele origin: germline.
Comment: The p.R22S variant (also known as c.66G>C), located in coding exon 1 of the LRRK2 gene, results from a G to C substitution at nucleotide position 66. The arginine at codon 22 is replaced by serine, an amino acid with dissimilar properties. This amino acid position is conserved. In addition, the in silico prediction for this alteration is inconclusive. Since supporting evidence is limited at this time, the clinical significance of this alteration remains unclear.